The following is an entry in ClinVar:

NM_006218.4(PIK3CA):c.2807A>T (p.His936Leu)

Gene: PIK3CA (phosphatidylinositol-4,5-bisphosphate 3-kinase catalytic subunit alpha; plus strand). Cytogenetic location: 3q26.32.
Variant type: single nucleotide variant.
Coding change: c.2807A>T on transcript NM_006218.4 (MANE Select); coding-DNA position 2807, A replaced by T.
Protein change: p.His936Leu; replaces histidine 936 with leucine.
Molecular consequence: missense variant.
Genome position (GRCh38, 1-based): chr3:179,230,247, A>T. VCF-style: chr3-179230247-A-T. GRCh37 (hg19) VCF-style: chr3-178948035-A-T.
Other names: short protein forms H936L.
Identifiers: ClinVar variation 3418540 (VCV003418540.1).

ClinVar aggregate classification (germline): Uncertain significance (1 of 4 stars; one submission).

Conditions:
Inborn genetic diseases. Identifiers: MedGen C0950123, MeSH D030342.

Submission:

Ambry Genetics
Classification: Uncertain significance for Inborn genetic diseases. Last evaluated: 2024-10-04. Review status: criteria provided, single submitter. Criteria: Ambry Variant Classification Scheme 2023. Collection method: clinical testing. Allele origin: germline.
Comment: The p.H936L variant (also known as c.2807A>T), located in coding exon 19 of the PIK3CA gene, results from an A to T substitution at nucleotide position 2807. The histidine at codon 936 is replaced by leucine, an amino acid with similar properties. This amino acid position is conserved. In addition, this alteration is predicted to be deleterious by in silico analysis. Based on the available evidence, the clinical significance of this variant remains unclear.